The following is an entry in ClinVar:

NM_000353.3(TAT):c.680_692del (p.Lys227fs)

Genes: TAT (tyrosine aminotransferase; minus strand), TAT-AS1 (TAT antisense RNA 1; plus strand), LOC111413029 (BRD4-independent group 4 enhancer GRCh37_chr16:71605697-71606896; plus strand). Cytogenetic location: 16q22.2.
Variant type: Deletion.
Coding change: c.680_692del on transcript NM_000353.3 (MANE Select); coding-DNA positions 680 to 692, 13 bases deleted (AACGTCATCTTCA).
Protein change: p.Lys227fs; shifts the reading frame from lysine 227.
Molecular consequence: frameshift variant. On other transcripts: non-coding transcript variant (2).
Genome position (GRCh38, 1-based): chr16:71,572,200-71,572,212, TGAAGATGACGTT deleted on the plus strand (AACGTCATCTTCA on the coding strand, the reverse complement: TAT is on the minus strand); deleting any 13 consecutive bases within chr16:71,572,200-71,572,214 gives the same sequence; the c. name uses the placement nearest the transcript's 3' end. VCF-style (leftmost placement, unchanged base first): chr16-71572199-CTGAAGATGACGTT-C. GRCh37 (hg19) VCF-style: chr16-71606102-CTGAAGATGACGTT-C.
Other names: short protein forms K227fs.
Identifiers: ClinVar variation 1725893 (VCV001725893.3), dbSNP rs2507666710, ClinGen allele CA2580092041.

ClinVar aggregate classification (germline): Likely pathogenic. Review status: criteria provided, multiple submitters, no conflicts (2 of 4 stars). 2 submissions from 2 submitters: Likely pathogenic (2). Last evaluated 2024-04-17.

Conditions:
Tyrosinemia type II (TYRSN2). Also called: KERATOSIS PALMOPLANTARIS WITH CORNEAL DYSTROPHY; OREGON TYPE TYROSINEMIA; TAT DEFICIENCY; TYROSINE AMINOTRANSFERASE DEFICIENCY; TYROSINE TRANSAMINASE DEFICIENCY. Identifiers: Orphanet 28378, MedGen C0268487, MONDO:0010160, OMIM 276600.

Submissions (2):

Fulgent Genetics
Classification: Likely pathogenic for Tyrosinemia type II. Last evaluated: 2024-04-17. Review status: criteria provided, single submitter. Criteria: ACMG Guidelines, 2015. Collection method: clinical testing. Allele origin: germline.

Myriad Genetics, Inc.
Classification: Likely pathogenic for Tyrosinemia type II. Last evaluated: 2022-04-06. Review status: criteria provided, single submitter. Criteria: Myriad Women's Health Autosomal Recessive and X-Linked Classification Criteria (2021). Collection method: clinical testing. Allele origin: unknown.
Comment: NM_000353.2(TAT):c.680_692del13(K227Rfs*15) is expected to be pathogenic in the context of tyrosinemia type II. This variant is predicted to lead to an abnormal or absent protein product due to the creation of a premature termination codon in TAT, a gene where loss-of-function variants are known to be pathogenic. Please note: this variant was assessed in the context of healthy population screening.